The following is an entry in ClinVar:

NM_001852.4(COL9A2):c.1799G>T (p.Arg600Leu)

Gene: COL9A2 (collagen type IX alpha 2 chain; minus strand). Cytogenetic location: 1p34.2.
Variant type: single nucleotide variant.
Coding change: c.1799G>T on transcript NM_001852.4 (MANE Select); coding-DNA position 1799, G replaced by T.
Protein change: p.Arg600Leu; replaces arginine 600 with leucine.
Molecular consequence: missense variant.
Genome position (GRCh38, 1-based): chr1:40,301,883, C>A on the plus strand (G>T on the coding strand, the complement: COL9A2 is on the minus strand). VCF-style: chr1-40301883-C-A. GRCh37 (hg19) VCF-style: chr1-40767555-C-A.
Other names: c.1799G>T (NM_001852.3); short protein forms R600L.
Identifiers: ClinVar variation 1995578 (VCV001995578.5), dbSNP rs775570119, ClinGen allele CA339874859.

ClinVar aggregate classification (germline): Uncertain significance. Review status: criteria provided, multiple submitters, no conflicts (2 of 4 stars). 2 submissions from 2 submitters: Uncertain significance (2). Last evaluated 2026-02-17.

Conditions:
Inborn genetic diseases. Identifiers: MedGen C0950123, MeSH D030342.

gnomAD v4.1: 1 of 1,613,916 alleles (0.000062%); highest among the groups gnomAD compares: Middle Eastern, 0.016%; no homozygotes.

Submissions (2):

Ambry Genetics
Classification: Uncertain significance for Inborn genetic diseases. Last evaluated: 2026-02-17. Review status: criteria provided, single submitter. Criteria: Ambry Variant Classification Scheme 2023. Collection method: clinical testing. Allele origin: germline.

Labcorp Genetics (formerly Invitae), Labcorp
Classification: Uncertain significance. Last evaluated: 2023-07-12. Review status: criteria provided, single submitter. Criteria: Invitae Variant Classification Sherloc (09022015). Collection method: clinical testing. Allele origin: germline.
Comment: In summary, the available evidence is currently insufficient to determine the role of this variant in disease. Therefore, it has been classified as a Variant of Uncertain Significance. Advanced modeling of protein sequence and biophysical properties (such as structural, functional, and spatial information, amino acid conservation, physicochemical variation, residue mobility, and thermodynamic stability) performed at Invitae indicates that this missense variant is not expected to disrupt COL9A2 protein function. ClinVar contains an entry for this variant (Variation ID: 1995578). This variant has not been reported in the literature in individuals affected with COL9A2-related conditions. This variant is not present in population databases (gnomAD no frequency). This sequence change replaces arginine, which is basic and polar, with leucine, which is neutral and non-polar, at codon 600 of the COL9A2 protein (p.Arg600Leu).